The following is an entry in ClinVar:

ClinVar aggregate classification (germline): Uncertain significance. Review status: criteria provided, multiple submitters, no conflicts (2 of 4 stars). 3 submissions from 3 submitters: Uncertain significance (3). Last evaluated 2025-03-04.

Conditions:
Hereditary cancer-predisposing syndrome. Also called: Tumor predisposition; Hereditary neoplastic syndrome; Hereditary Cancer Syndrome; Neoplastic Syndromes, Hereditary. Identifiers: Orphanet 140162, MedGen C0027672, MeSH D009386, MONDO:0015356.

Allele frequency attached by ClinVar (database versions not stated): TOPMed 0.00001.
gnomAD v4.1: 4 of 1,613,856 alleles (0.00025%); highest among the groups gnomAD compares: Non-Finnish European, 0.00025%; no homozygotes.

Submissions (3):

Center for Genomic Medicine, Rigshospitalet, Copenhagen University Hospital
Classification: Uncertain significance. Last evaluated: 2025-03-04. Review status: criteria provided, single submitter. Criteria: ACMG Guidelines, 2015. Collection method: clinical testing. Allele origin: germline.

Ambry Genetics
Classification: Uncertain significance for Hereditary cancer-predisposing syndrome. Last evaluated: 2024-12-17. Review status: criteria provided, single submitter. Criteria: Ambry Variant Classification Scheme 2023. Collection method: clinical testing. Allele origin: germline.
Comment: The p.R759L variant (also known as c.2276G>T), located in coding exon 20 of the POLE gene, results from a G to T substitution at nucleotide position 2276. The arginine at codon 759 is replaced by leucine, an amino acid with dissimilar properties. This amino acid position is highly conserved in available vertebrate species. In addition, the in silico prediction for this alteration is inconclusive. Based on the available evidence, the clinical significance of this variant remains unclear.

Labcorp Genetics (formerly Invitae), Labcorp
Classification: Uncertain significance. Last evaluated: 2024-12-09. Review status: criteria provided, single submitter. Criteria: Invitae Variant Classification Sherloc (09022015). Collection method: clinical testing. Allele origin: germline.
Comment: This sequence change replaces arginine, which is basic and polar, with leucine, which is neutral and non-polar, at codon 759 of the POLE protein (p.Arg759Leu). This variant is present in population databases (rs746774432, gnomAD 0.002%). This variant has not been reported in the literature in individuals affected with POLE-related conditions. ClinVar contains an entry for this variant (Variation ID: 577473). Invitae Evidence Modeling of protein sequence and biophysical properties (such as structural, functional, and spatial information, amino acid conservation, physicochemical variation, residue mobility, and thermodynamic stability) indicates that this missense variant is not expected to disrupt POLE protein function with a negative predictive value of 80%. In summary, the available evidence is currently insufficient to determine the role of this variant in disease. Therefore, it has been classified as a Variant of Uncertain Significance.

NM_006231.4(POLE):c.2276G>T (p.Arg759Leu)

Gene: POLE (DNA polymerase epsilon, catalytic subunit; minus strand). Cytogenetic location: 12q24.33.
Variant type: single nucleotide variant.
Coding change: c.2276G>T on transcript NM_006231.4 (MANE Select); coding-DNA position 2276, G replaced by T.
Protein change: p.Arg759Leu; replaces arginine 759 with leucine.
Molecular consequence: missense variant.
Genome position (GRCh38, 1-based): chr12:132,667,546, C>A on the plus strand (G>T on the coding strand, the complement: POLE is on the minus strand). VCF-style: chr12-132667546-C-A. GRCh37 (hg19) VCF-style: chr12-133244132-C-A.
Other names: c.2276G>T (NM_006231.2); short protein forms R759L.
Identifiers: ClinVar variation 577473 (VCV000577473.9), dbSNP rs746774432, ClinGen allele CA6893614.
Genomic context (GRCh38, chr12:132,667,546, plus strand): 5'-AGCCCCTCAGAGCTCACCTTGTGGAGCCCTTTGAACTCGTAACGCCTGTCCCGGAAGGCA[C>A]GCACGGTGTCCACGTAGAAGGAGTTTTCCCGCTGGCAGATGGTGGTGAGACGCTCTTCCA-3'
Protein context (NP_006222.2, residues 749-769): RENSFYVDTV[Arg759Leu]AFRDRRYEFK